The following is an entry in ClinVar:

ClinVar aggregate classification (germline): Uncertain significance (1 of 4 stars; one submission).

Conditions:
Dyskeratosis congenita, autosomal dominant 2. Identifiers: MedGen C3151443, MONDO:0013521, OMIM 613989.
Idiopathic Pulmonary Fibrosis. Also called: Idiopathic fibrosing alveolitis, chronic form; idiopathic fibrosing alveolitis. Identifiers: Orphanet 2032, MedGen C1800706, MeSH D054990, MONDO:0800504.

Submission:

Labcorp Genetics (formerly Invitae), Labcorp
Classification: Uncertain significance for Dyskeratosis congenita, autosomal dominant 2; Idiopathic Pulmonary Fibrosis. Last evaluated: 2023-09-22. Review status: criteria provided, single submitter. Criteria: Invitae Variant Classification Sherloc (09022015). Collection method: clinical testing. Allele origin: germline.
Comment: This sequence change replaces arginine, which is basic and polar, with proline, which is neutral and non-polar, at codon 37 of the TERT protein (p.Arg37Pro). This variant is not present in population databases (gnomAD no frequency). This variant has not been reported in the literature in individuals affected with TERT-related conditions. Advanced modeling of protein sequence and biophysical properties (such as structural, functional, and spatial information, amino acid conservation, physicochemical variation, residue mobility, and thermodynamic stability) has been performed at Invitae for this missense variant, however the output from this modeling did not meet the statistical confidence thresholds required to predict the impact of this variant on TERT protein function. In summary, the available evidence is currently insufficient to determine the role of this variant in disease. Therefore, it has been classified as a Variant of Uncertain Significance.

NM_198253.3(TERT):c.110G>C (p.Arg37Pro)

Genes: TERT (telomerase reverse transcriptase; minus strand), LOC110806263 (TERT 5' regulatory region; plus strand). Cytogenetic location: 5p15.33.
Variant type: single nucleotide variant.
Coding change: c.110G>C on transcript NM_198253.3 (MANE Select); coding-DNA position 110, G replaced by C.
Protein change: p.Arg37Pro; replaces arginine 37 with proline.
Molecular consequence: missense variant. On other transcripts: non-coding transcript variant (2).
Genome position (GRCh38, 1-based): chr5:1,294,880, C>G on the plus strand (G>C on the coding strand, the complement: TERT is on the minus strand). VCF-style: chr5-1294880-C-G. GRCh37 (hg19) VCF-style: chr5-1294995-C-G.
Other names: c.110G>C, p.Arg37Pro (NM_001193376.3, NM_003219.1); short protein forms R37P.
Identifiers: ClinVar variation 2952160 (VCV002952160.3), dbSNP rs1239502548, ClinGen allele CA359059292.
Genomic context (GRCh38, chr5:1,294,880, plus strand): 5'-CACACCAGGCACTGGGCCACCAGCGCGCGGAAAGCCGCCGGGTCCCCGCGCTGCACCAGC[C>G]GCCAGCCCTGGGGCCCCAGGCGCCGCACGAACGTGGCCAGCGGCAGCACCTCGCGGTAGT-3'
Protein context (NP_937983.2, residues 27-47): FVRRLGPQGW[Arg37Pro]LVQRGDPAAF